The following is an entry in ClinVar:

ClinVar aggregate classification (germline): Pathogenic (1 of 4 stars; one submission).

Conditions:
LAMB2-related disorder. Also called: LAMB2-related condition.

Allele frequency attached by ClinVar (database versions not stated): gnomAD exomes 0.00001; ExAC 0.00002.
gnomAD v4.1: 8 of 1,614,068 alleles (0.0005%); highest among the groups gnomAD compares: South Asian, 0.0088%; no homozygotes.

Submission:

PreventionGenetics, part of Exact Sciences
Classification: Pathogenic for LAMB2-related condition. Last evaluated: 2023-07-12. Review status: criteria provided, single submitter. Criteria: ACMG Guidelines, 2015. Collection method: clinical testing. Allele origin: germline.
Comment: The LAMB2 c.5182C>T variant is predicted to result in premature protein termination (p.Gln1728*). This variant has been reported in the compound heterozygous state in five siblings with Pierson syndrome (Matejas et al 2006. PubMed ID: 16921188). This variant is reported in 0.0033% of alleles in individuals of South Asian descent in gnomAD. Nonsense variants in LAMB2 are expected to be pathogenic. This variant is interpreted as pathogenic.

NM_002292.4(LAMB2):c.5182C>T (p.Gln1728Ter)

Gene: LAMB2 (laminin subunit beta 2; minus strand). Cytogenetic location: 3p21.31.
Variant type: single nucleotide variant.
Coding change: c.5182C>T on transcript NM_002292.4 (MANE Select); coding-DNA position 5182, C replaced by T.
Protein change: p.Gln1728Ter; replaces glutamine 1728 with a stop codon.
Molecular consequence: nonsense.
Genome position (GRCh38, 1-based): chr3:49,121,511, G>A on the plus strand (C>T on the coding strand, the complement: LAMB2 is on the minus strand). VCF-style: chr3-49121511-G-A. GRCh37 (hg19) VCF-style: chr3-49158944-G-A.
Other names: short protein forms Q1728*.
Identifiers: ClinVar variation 2634128 (VCV002634128.1), dbSNP rs760355583, ClinGen allele CA2393585.